The following is an entry in ClinVar:

NM_001378120.1(MBD5):c.3824del (p.Pro1275fs)

Gene: MBD5 (methyl-CpG binding domain protein 5; plus strand). Cytogenetic location: 2q23.1.
Variant type: Deletion.
Coding change: c.3824del on transcript NM_001378120.1 (MANE Select); coding-DNA position 3824, one base deleted (C; older notation c.3824delC).
Protein change: p.Pro1275fs; shifts the reading frame from proline 1275.
Molecular consequence: frameshift variant.
Genome position (GRCh38, 1-based): chr2:148,489,456, C deleted; the last of 2 consecutive C bases (chr2:148,489,455-148,489,456); deleting either gives the same sequence. VCF-style (leftmost placement, unchanged base first): chr2-148489454-TC-T. GRCh37 (hg19) VCF-style: chr2-149247023-TC-T.
Other names: c.3125del, p.Pro1042fs (NM_018328.5); short protein forms P1042fs, P1275fs.
Identifiers: ClinVar variation 817859 (VCV000817859.1), dbSNP rs1574484218, ClinGen allele CA915942830.

ClinVar aggregate classification (germline): Pathogenic (1 of 4 stars; one submission).

Submission:

GeneDx
Classification: Pathogenic. Last evaluated: 2018-10-18. Review status: criteria provided, single submitter. Criteria: GeneDx Variant Classification (06012015). Collection method: clinical testing. Allele origin: germline. Affected: yes.
Comment: The c.3125delC pathogenic variant in the MBD5 gene causes a frameshift starting with codon Proline 1042, changes this amino acid to a Leucine residue and creates a premature Stop codon at position 30 of the new reading frame, denoted p.Pro1042LeufsX30. This pathogenic variant is predicted to cause loss of normal protein function either through protein truncation or nonsense-mediated mRNA decay. The c.3125delC variant is not observed in large population cohorts (Lek et al., 2016).